The following is an entry in ClinVar:

NM_024675.4(PALB2):c.3398C>T (p.Thr1133Ile)

Gene: PALB2 (partner and localizer of BRCA2; minus strand). Cytogenetic location: 16p12.2.
Variant type: single nucleotide variant.
Coding change: c.3398C>T on transcript NM_024675.4 (MANE Select); coding-DNA position 3398, C replaced by T.
Protein change: p.Thr1133Ile; replaces threonine 1133 with isoleucine.
Molecular consequence: missense variant. On other transcripts: 3 prime UTR variant (5).
Genome position (GRCh38, 1-based): chr16:23,603,622, G>A on the plus strand (C>T on the coding strand, the complement: PALB2 is on the minus strand). VCF-style: chr16-23603622-G-A. GRCh37 (hg19) VCF-style: chr16-23614943-G-A.
Other names: c.3338C>T, p.Thr1113Ile (NM_001407296.1); c.3326C>T, p.Thr1109Ile (NM_001407297.1); c.3236C>T, p.Thr1079Ile (NM_001407298.1); c.3161C>T, p.Thr1054Ile (NM_001407299.1); c.3119C>T, p.Thr1040Ile (NM_001407300.1); c.*33C>T (NM_001407301.1, NM_001407302.1, NM_001407310.1 and 2 more transcripts); c.2513C>T, p.Thr838Ile (NM_001407304.1, NM_001407305.1, NM_001407306.1); c.2351C>T, p.Thr784Ile (NM_001407307.1); and 3 more; short protein forms T1133I, T838I, T1040I, T1109I, T1113I, T1054I, T1079I, T311I.
Identifiers: ClinVar variation 5026160 (VCV005026160.1).

ClinVar aggregate classification (germline): Uncertain significance (1 of 4 stars; one submission).

Conditions:
Hereditary cancer-predisposing syndrome. Also called: Neoplastic Syndromes, Hereditary; Tumor predisposition; Hereditary neoplastic syndrome; Hereditary Cancer Syndrome. Identifiers: Orphanet 140162, MedGen C0027672, MeSH D009386, MONDO:0015356.

Submission:

Ambry Genetics
Classification: Uncertain significance for Hereditary cancer-predisposing syndrome. Last evaluated: 2026-07-06. Review status: criteria provided, single submitter. Criteria: Ambry Variant Classification Scheme 2023. Collection method: clinical testing. Allele origin: germline.
Comment: The p.T1133I variant (also known as c.3398C>T), located in coding exon 13 of the PALB2 gene, results from a C to T substitution at nucleotide position 3398. The threonine at codon 1133 is replaced by isoleucine, an amino acid with similar properties. This amino acid position is conserved. In addition, this alteration is predicted to be tolerated by in silico analysis. Based on the available evidence, the clinical significance of this variant remains unclear.